The following is an entry in ClinVar:

NM_001276345.2(TNNT2):c.103G>A (p.Glu35Lys)

Gene: TNNT2 (troponin T2, cardiac type; minus strand). Cytogenetic location: 1q32.1.
Variant type: single nucleotide variant.
Coding change: c.103G>A on transcript NM_001276345.2 (MANE Select); coding-DNA position 103, G replaced by A.
Protein change: p.Glu35Lys; replaces glutamic acid 35 with lysine.
Molecular consequence: missense variant.
Genome position (GRCh38, 1-based): chr1:201,368,222, C>T on the plus strand (G>A on the coding strand, the complement: TNNT2 is on the minus strand). VCF-style: chr1-201368222-C-T. GRCh37 (hg19) VCF-style: chr1-201337350-C-T.
Other names: c.103G>A, p.Glu35Lys (NM_000364.4, NM_001276346.2); c.73G>A, p.Glu25Lys (NM_001001430.3, NM_001001431.3, NM_001276347.2); c.58G>A, p.Glu20Lys (NM_001001432.3); short protein forms E20K, E25K, E35K.
Identifiers: ClinVar variation 848083 (VCV000848083.15), dbSNP rs867180029, ClinGen allele CA344207391.

ClinVar aggregate classification (germline): Uncertain significance. Review status: criteria provided, multiple submitters, no conflicts (2 of 4 stars). 7 submissions from 5 submitters: Uncertain significance (7). Last evaluated 2026-01-25.

Conditions:
Cardiovascular phenotype. Identifiers: MedGen CN230736.
Hypertrophic cardiomyopathy 2. Also called: TNNT2-Related Familial Hypertrophic Cardiomyopathy. Identifiers: MedGen C1861864, MONDO:0007266, OMIM 115195.
Dilated cardiomyopathy 1D. Identifiers: Orphanet 154, Orphanet 54260, MedGen C1832243, MONDO:0011095, OMIM 601494.
Cardiomyopathy, familial restrictive, 3. Identifiers: Orphanet 75249, MedGen C2676271, MONDO:0012900, OMIM 612422.
Cardiomyopathy (CMYO). Also called: Cardiomyopathies. Identifiers: Orphanet 167848, MedGen C0878544, MONDO:0004994, HP:0001638. Inheritance: Various modes of inheritance.

Allele frequency attached by ClinVar (database versions not stated): gnomAD exomes 0.00001; gnomAD 0.00003; TOPMed 0.00003.
gnomAD v4.1: 8 of 1,614,010 alleles (0.0005%); highest among the groups gnomAD compares: Non-Finnish European, 0.00068%; no homozygotes.

Submissions (7):

Labcorp Genetics (formerly Invitae), Labcorp
Classification: Uncertain significance for Cardiomyopathy, familial restrictive, 3; Hypertrophic cardiomyopathy 2; Dilated cardiomyopathy 1D. Last evaluated: 2026-01-25. Review status: criteria provided, single submitter. Criteria: Invitae Variant Classification Sherloc (09022015). Collection method: clinical testing. Allele origin: germline.
Comment: This sequence change replaces glutamic acid, which is acidic and polar, with lysine, which is basic and polar, at codon 25 of the TNNT2 protein (p.Glu25Lys). This variant is present in population databases (no rsID available, gnomAD 0.007%). This variant has not been reported in the literature in individuals affected with TNNT2-related conditions. ClinVar contains an entry for this variant (Variation ID: 848083). Invitae Evidence Modeling of protein sequence and biophysical properties (such as structural, functional, and spatial information, amino acid conservation, physicochemical variation, residue mobility, and thermodynamic stability) indicates that this missense variant is expected to disrupt TNNT2 protein function with a positive predictive value of 95%. In summary, the available evidence is currently insufficient to determine the role of this variant in disease. Therefore, it has been classified as a Variant of Uncertain Significance.

All of Us Research Program, National Institutes of Health
Classification: Uncertain significance for Cardiomyopathy. Last evaluated: 2024-07-20. Review status: criteria provided, single submitter. Criteria: ACMG Guidelines, 2015. Collection method: clinical testing. Allele origin: germline. Inheritance: Autosomal dominant inheritance. Observed: 5 variant alleles, 5 heterozygotes.
Comment: This variant is located in the TNNT2 protein. Computational prediction is inconclusive regarding the impact of this variant on protein structure and function (internally defined REVEL score threshold 0.5 < inconclusive < 0.7, PMID: 27666373). To our knowledge, functional studies have not been reported for this variant. This variant has not been reported in individuals affected with TNNT2-related disorders in the literature. This variant has been identified in 1/31394 chromosomes in the general population by the Genome Aggregation Database (gnomAD). The available evidence is insufficient to determine the role of this variant in disease conclusively. Therefore, this variant is classified as a Variant of Uncertain Significance.

This study involves interpretation of variants in research participants for the purpose of population health screening. Participant phenotype was not available at the time of variant classification. Additional details can be found in publication PMID: 35346344, PMCID: PMC8962531

Color Diagnostics, LLC DBA Color Health
Classification: Uncertain significance for Cardiomyopathy. Last evaluated: 2024-03-06. Review status: criteria provided, single submitter. Criteria: ACMG Guidelines, 2015. Collection method: clinical testing. Allele origin: germline.
Comment: This variant is located in the TNNT2 protein. Computational prediction is inconclusive regarding the impact of this variant on protein structure and function (internally defined REVEL score threshold 0.5 < inconclusive < 0.7, PMID: 27666373). To our knowledge, functional studies have not been reported for this variant. This variant has not been reported in individuals affected with TNNT2-related disorders in the literature. This variant has been identified in 1/31394 chromosomes in the general population by the Genome Aggregation Database (gnomAD). The available evidence is insufficient to determine the role of this variant in disease conclusively. Therefore, this variant is classified as a Variant of Uncertain Significance.

Ambry Genetics
Classification: Uncertain significance for Cardiovascular phenotype. Last evaluated: 2023-11-30. Review status: criteria provided, single submitter. Criteria: Ambry Variant Classification Scheme 2023. Collection method: clinical testing. Allele origin: germline.
Comment: The p.E25K variant (also known as c.73G>A), located in coding exon 4 of the TNNT2 gene, results from a G to A substitution at nucleotide position 73. The glutamic acid at codon 25 is replaced by lysine, an amino acid with similar properties. This amino acid position is conserved. In addition, this alteration is predicted to be deleterious by in silico analysis. Since supporting evidence is limited at this time, the clinical significance of this alteration remains unclear.

Genome-Nilou Lab
Classification: Uncertain significance for Dilated cardiomyopathy 1D. Last evaluated: 2023-11-04. Review status: criteria provided, single submitter. Criteria: ACMG Guidelines, 2015. Collection method: clinical testing. Allele origin: germline. Affected: no.

Genome-Nilou Lab
Classification: Uncertain significance for Cardiomyopathy, familial restrictive, 3. Last evaluated: 2023-11-04. Review status: criteria provided, single submitter. Criteria: ACMG Guidelines, 2015. Collection method: clinical testing. Allele origin: germline. Affected: no.

Genome-Nilou Lab
Classification: Uncertain significance for Hypertrophic cardiomyopathy 2. Last evaluated: 2023-11-04. Review status: criteria provided, single submitter. Criteria: ACMG Guidelines, 2015. Collection method: clinical testing. Allele origin: germline. Affected: no.